The following is an entry in ClinVar:

NM_080424.4(SP110):c.147+91A>G

Genes: SP110 (SP110 nuclear body protein; minus strand), SP140 (SP140 nuclear body protein; plus strand), LOC129935748 (ATAC-STARR-seq lymphoblastoid active region 17210; plus strand). Cytogenetic location: 2q37.1.
Variant type: single nucleotide variant.
Coding change: c.147+91A>G on transcript NM_080424.4 (MANE Select); 91 bases into the intron after coding-DNA position 147, A replaced by G.
Molecular consequence: intron variant.
Genome position (GRCh38, 1-based): chr2:230,216,690, T>C on the plus strand (A>G on the coding strand, the complement: SP110 is on the minus strand). VCF-style: chr2-230216690-T-C. GRCh37 (hg19) VCF-style: chr2-231081405-T-C.
Other names: c.165+91A>G (NM_001378446.1, NM_001378445.1, NM_001378442.1 and 2 more transcripts); c.147+91A>G (NM_004509.5, NM_001378443.1, NM_001378447.1 and 1 more transcripts).
Identifiers: ClinVar variation 2688166 (VCV002688166.2), dbSNP rs7580912, ClinGen allele CA15176099.
Genomic context (GRCh38, chr2:230,216,690, plus strand): 5'-CTCCTAACTACCCCCACCTTCTGTGATAATGAACATGCCTGGGCTGGGCCTTCCAAACTC[T>C]GGAAGCCCTGGTGGTTTGTGGTTTGAGACTTTAATAATCAGGCATATTGGTGGGGGCTGG-3'

ClinVar aggregate classification (germline): Benign (1 of 4 stars; one submission).

Allele frequency attached by ClinVar (database versions not stated): TOPMed 0.33947; gnomAD exomes 0.34219; gnomAD 0.34886; 1000 Genomes Project 0.35523; 1000 Genomes Project 30x 0.35525.
gnomAD v4.1: 521,832 of 1,521,544 alleles (34%); highest among the groups gnomAD compares: South Asian, 39%; 91,428 homozygotes.

Submission:

Unidad de Genómica Garrahan, Hospital de Pediatría Garrahan
Classification: Benign. Last evaluated: 2024-01-24. Review status: criteria provided, single submitter. Criteria: ACMG Guidelines, 2015. Collection method: clinical testing. Allele origin: germline. Affected: no. Observed: 41 variant alleles.
Comment: This variant is classified as Benign based on local population frequency. This variant was detected in 43% of patients studied by a panel of primary immunodeficiencies. Number of patients: 41. Only high quality variants are reported.